The following is an entry in ClinVar:

ClinVar aggregate classification (germline): Uncertain significance (1 of 4 stars; one submission).

Allele frequency attached by ClinVar (database versions not stated): gnomAD exomes below 0.00001.
gnomAD v4.1: 1 of 1,613,010 alleles (0.000062%); highest among the groups gnomAD compares: Non-Finnish European, 0.000085%; no homozygotes.

Submission:

Women's Health and Genetics/Laboratory Corporation of America, LabCorp
Classification: Uncertain significance. Last evaluated: 2023-12-27. Review status: criteria provided, single submitter. Criteria: LabCorp Variant Classification Summary - May 2015. Collection method: clinical testing. Allele origin: germline.
Comment: Variant summary: CFTR c.2519T>C (p.Ile840Thr) results in a non-conservative amino acid change located in the CFTR regulator domain (IPR025837) of the encoded protein sequence. Three of four in-silico tools predict a benign effect of the variant on protein function. The variant allele was found at a frequency of 1.6e-06 in 623932 control chromosomes (gnomAD v4.0). The available data on variant occurrences in the general population are insufficient to allow any conclusion about variant significance. The Ile840Thr variant has been reported in the literature in a carrier screening study (Picci_2010). These report(s) do not provide unequivocal conclusions about association of the variant with Cystic Fibrosis. To our knowledge, no experimental evidence demonstrating an impact on protein function has been reported. The following publication has been ascertained in the context of this evaluation (PMID: 19897426). No submitters have cited clinical-significance assessments for this variant to ClinVar after 2014. Based on the evidence outlined above, the variant was classified as uncertain significance.

Literature cited by the submitters: PubMed 19897426.

NM_000492.4(CFTR):c.2519T>C (p.Ile840Thr)

Gene: CFTR (CF transmembrane conductance regulator; plus strand). Cytogenetic location: 7q31.2.
Variant type: single nucleotide variant.
Coding change: c.2519T>C on transcript NM_000492.4 (MANE Select); coding-DNA position 2519, T replaced by C.
Protein change: p.Ile840Thr; replaces isoleucine 840 with threonine.
Molecular consequence: missense variant.
Genome position (GRCh38, 1-based): chr7:117,594,958, T>C. VCF-style: chr7-117594958-T-C. GRCh37 (hg19) VCF-style: chr7-117235012-T-C.
Other names: short protein forms I840T.
Identifiers: ClinVar variation 2691421 (VCV002691421.1), dbSNP rs2485113722, ClinGen allele CA368983877.